The following is an entry in ClinVar:

ClinVar aggregate classification (germline): Pathogenic (1 of 4 stars; one submission).

Submission:

ISCA site 4
Classification: Pathogenic. Last evaluated: 2011-08-12. Review status: criteria provided, single submitter. Criteria: Kaminsky et al. (Genet Med. 2011). Collection method: clinical testing. Allele origin: unknown. Affected: yes. Observed: 2 variant alleles.
Comment: Copy number variation identified through the course of routine clinical cytogenomic testing in postnatal populations. Clinical assertions have been curated as described in Kaminsky et al. 2011.

GRCh38/hg38 8p23.3-23.1(chr8:241530-7895064)x1

Genes: AGPAT5 (1-acylglycerol-3-phosphate O-acyltransferase 5; plus strand), ANGPT2 (angiopoietin 2; minus strand), ARHGEF10 (Rho guanine nucleotide exchange factor 10; plus strand), CLN8 (CLN8 transmembrane ER and ERGIC protein; plus strand), CLN8-AS1 (CLN8 antisense RNA 1; minus strand) and 163 more. Cytogenetic location: 8p23.3-23.1.
Variant type: copy number loss.
Change: copy number 1 (one copy instead of two) of chr8:241,530-7,895,064 (7.65 Mb, GRCh38 coordinates, 1-based), cytogenetic band 8p23.3-23.1.
Identifiers: ClinVar variation 161038 (VCV000161038.1).